The following is an entry in ClinVar:

NM_005502.4(ABCA1):c.3159T>G (p.Val1053=)

Gene: ABCA1 (ATP binding cassette subfamily A member 1; minus strand). Cytogenetic location: 9q31.1.
Variant type: single nucleotide variant.
Coding change: c.3159T>G on transcript NM_005502.4 (MANE Select); coding-DNA position 3159, T replaced by G.
Protein change: p.Val1053=; no amino-acid change (valine 1053 retained).
Molecular consequence: synonymous variant.
Genome position (GRCh38, 1-based): chr9:104,819,668, A>C on the plus strand (T>G on the coding strand, the complement: ABCA1 is on the minus strand). VCF-style: chr9-104819668-A-C. GRCh37 (hg19) VCF-style: chr9-107581949-A-C.
Other names: p.Val1053=.
Identifiers: ClinVar variation 364421 (VCV000364421.52), dbSNP rs35871586, ClinGen allele CA5168518.

ClinVar aggregate classification (germline): Benign/Likely benign. Review status: criteria provided, multiple submitters, no conflicts (2 of 4 stars). 10 submissions from 9 submitters: Benign (7); Likely benign (3). Last evaluated 2026-07-01.

Conditions:
Cardiovascular phenotype. Identifiers: MedGen CN230736.
Tangier disease (TGD). Also called: Cholesterol thesaurismosis; HIGH DENSITY LIPOPROTEIN DEFICIENCY, TANGIER TYPE; HIGH DENSITY LIPOPROTEIN DEFICIENCY, TYPE 1. Identifiers: Orphanet 31150, MedGen C0039292, MONDO:0008783, OMIM 205400.
Hypoalphalipoproteinemia, primary, 1. Identifiers: Orphanet 425, MedGen C5231558, MONDO:0011393, OMIM 604091.

Allele frequency attached by ClinVar (database versions not stated): 1000 Genomes Project 0.00419; 1000 Genomes Project 30x 0.00437; TOPMed 0.00648; gnomAD 0.00738 and 0.00751; gnomAD exomes 0.00750 and 0.01031; ExAC 0.00756; ESP Exome Variant Server 0.00784.
gnomAD v4.1: 16,131 of 1,614,208 alleles (1%); highest among the groups gnomAD compares: Non-Finnish European, 1.2%; 101 homozygotes.

Submissions (19):

CeGaT Center for Human Genetics Tuebingen
Classification: Benign. Last evaluated: 2026-07-01. Review status: criteria provided, single submitter. Criteria: CeGaT Center For Human Genetics Tuebingen Variant Classification Criteria Version 2. Collection method: clinical testing. Allele origin: germline. Affected: yes. Observed: 20 variant alleles.
Comment: ABCA1: BP4, BP7, BS1, BS2

Labcorp Genetics (formerly Invitae), Labcorp
Classification: Benign. Last evaluated: 2026-02-01. Review status: criteria provided, single submitter. Criteria: Invitae Variant Classification Sherloc (09022015). Collection method: clinical testing. Allele origin: germline.

Blueprint Genetics
Classification: Likely benign. Last evaluated: 2024-11-27. Review status: criteria provided, single submitter. Criteria: ACMG Guidelines, 2015. Collection method: clinical testing. Allele origin: germline.

Mayo Clinic Laboratories, Mayo Clinic
Classification: Benign. Last evaluated: 2022-07-15. Review status: criteria provided, single submitter. Criteria: ACMG Guidelines, 2015. Collection method: clinical testing. Allele origin: germline. Observed: 30 variant alleles.

GeneDx
Classification: Likely benign. Last evaluated: 2020-07-10. Review status: criteria provided, single submitter. Criteria: GeneDx Variant Classification Process June 2021. Collection method: clinical testing. Allele origin: germline. Affected: yes.

Ambry Genetics
Classification: Benign for Cardiovascular phenotype. Last evaluated: 2019-09-10. Review status: criteria provided, single submitter. Criteria: Ambry Variant Classification Scheme 2023. Collection method: clinical testing. Allele origin: germline.

Illumina Laboratory Services, Illumina
Classification: Benign for Tangier disease. Last evaluated: 2018-01-12. Review status: criteria provided, single submitter. Criteria: ICSL Variant Classification Criteria 13 December 2019. Collection method: clinical testing. Allele origin: germline.
Comment: This variant was observed in the ICSL laboratory as part of a predisposition screen in an ostensibly healthy population. It had not been previously curated by ICSL or reported in the Human Gene Mutation Database (HGMD: prior to June 1st, 2018), and was therefore a candidate for classification through an automated scoring system. Utilizing variant allele frequency, disease prevalence and penetrance estimates, and inheritance mode, an automated score was calculated to assess if this variant is too frequent to cause the disease. Based on the score and internal cut-off values, a variant classified as benign is not then subjected to further curation. The score for this variant resulted in a classification of benign for this disease.

Illumina Laboratory Services, Illumina
Classification: Benign for Hypoalphalipoproteinemia, primary, 1. Last evaluated: 2018-01-12. Review status: criteria provided, single submitter. Criteria: ICSL Variant Classification Criteria 13 December 2019. Collection method: clinical testing. Allele origin: germline.
Comment: the same text as in the submission from Illumina Laboratory Services, Illumina above.

Women's Health and Genetics/Laboratory Corporation of America, LabCorp
Classification: Benign. Last evaluated: 2016-05-30. Review status: criteria provided, single submitter. Criteria: LabCorp Variant Classification Summary - May 2015. Collection method: clinical testing. Allele origin: germline.
Comment: Variant summary: The ABCA1 c.3159T>G (p.Val1053Val) variant involves the alteration of a non-conserved nucleotide, resulting in a synonymous change. 5/5 splice prediction tools predict no significant impact on normal splicing. This variant was found in 918/121410 control chromosomes (including 6 homozygotes) at a frequency of 0.0075612, which is approximately 605 times the estimated maximal expected allele frequency of a pathogenic ABCA1 variant (0.0000125), suggesting this variant is a benign polymorphism. Taken together, this variant is classified as Benign.

Breakthrough Genomics
Classification: Likely benign. Review status: criteria provided, single submitter. Criteria: ACMG Guidelines, 2015. Collection method: not provided. Allele origin: germline. Inheritance: Autosomal recessive inheritance. Affected: yes.

Dr. Peter K. Rogan Lab, Western University
No classification provided (evidence only). Condition: Clear cell carcinoma of kidney. Review status: no classification provided. Collection method: in vitro. Allele origin: not applicable. Functional consequence: retained intron. Not counted in ClinVar's aggregate classification.

Dr. Peter K. Rogan Lab, Western University
No classification provided (evidence only). Condition: Lung cancer. Review status: no classification provided. Collection method: in vitro. Allele origin: not applicable. Functional consequence: retained intron. Not counted in ClinVar's aggregate classification.

Dr. Peter K. Rogan Lab, Western University
No classification provided (evidence only). Condition: Lung cancer. Review status: no classification provided. Collection method: in vitro. Allele origin: not applicable. Functional consequence: retained intron. Not counted in ClinVar's aggregate classification.

Dr. Peter K. Rogan Lab, Western University
No classification provided (evidence only). Condition: Acute myeloid leukemia. Review status: no classification provided. Collection method: in vitro. Allele origin: not applicable. Functional consequence: retained intron. Not counted in ClinVar's aggregate classification.

Dr. Peter K. Rogan Lab, Western University
No classification provided (evidence only). Condition: Thyroid cancer, nonmedullary, 1. Review status: no classification provided. Collection method: in vitro. Allele origin: not applicable. Functional consequence: retained intron. Not counted in ClinVar's aggregate classification.

Dr. Peter K. Rogan Lab, Western University
No classification provided (evidence only). Condition: Thyroid cancer, nonmedullary, 1. Review status: no classification provided. Collection method: in vitro. Allele origin: not applicable. Functional consequence: retained intron. Not counted in ClinVar's aggregate classification.

Dr. Peter K. Rogan Lab, Western University
No classification provided (evidence only). Condition: Cervical cancer. Review status: no classification provided. Collection method: in vitro. Allele origin: not applicable. Functional consequence: retained intron. Not counted in ClinVar's aggregate classification.

Dr. Peter K. Rogan Lab, Western University
No classification provided (evidence only). Condition: Hepatocellular carcinoma. Review status: no classification provided. Collection method: in vitro. Allele origin: not applicable. Functional consequence: retained intron. Not counted in ClinVar's aggregate classification.

Dr. Peter K. Rogan Lab, Western University
No classification provided (evidence only). Condition: Nonpapillary renal cell carcinoma. Review status: no classification provided. Collection method: in vitro. Allele origin: not applicable. Functional consequence: retained intron. Not counted in ClinVar's aggregate classification.

Literature cited by the submitters: PubMed 15935359 (cited by Women's Health and Genetics/Laboratory Corporation of America, LabCorp).